The following is an entry in ClinVar:

ClinVar aggregate classification (germline): Uncertain significance. Review status: criteria provided, multiple submitters, no conflicts (2 of 4 stars). 2 submissions from 2 submitters: Uncertain significance (2). Last evaluated 2026-08-22.

Conditions:
Myofibrillar myopathy 6. Identifiers: Orphanet 199340, MedGen C2751831, MONDO:0013061, OMIM 612954.
Dilated cardiomyopathy 1HH (CMD1HH). Identifiers: Orphanet 154, MedGen C3151293, MONDO:0013479, OMIM 613881.
Cardiovascular phenotype. Identifiers: MedGen CN230736.

Submissions (2):

Ambry Genetics
Classification: Uncertain significance for Cardiovascular phenotype. Last evaluated: 2026-08-22. Review status: criteria provided, single submitter. Criteria: Ambry Variant Classification Scheme 2023. Collection method: clinical testing. Allele origin: germline.
Comment: The p.P327T variant (also known as c.979C>A), located in coding exon 4 of the BAG3 gene, results from a C to A substitution at nucleotide position 979. The proline at codon 327 is replaced by threonine, an amino acid with highly similar properties. This amino acid position is conserved. In addition, the in silico prediction for this alteration is inconclusive. Based on the available evidence, the clinical significance of this variant remains unclear.

Labcorp Genetics (formerly Invitae), Labcorp
Classification: Uncertain significance for Dilated cardiomyopathy 1HH; Myofibrillar myopathy 6. Last evaluated: 2026-01-19. Review status: criteria provided, single submitter. Criteria: Invitae Variant Classification Sherloc (09022015). Collection method: clinical testing. Allele origin: germline.
Comment: This sequence change replaces proline, which is neutral and non-polar, with threonine, which is neutral and polar, at codon 327 of the BAG3 protein (p.Pro327Thr). This variant is not present in population databases (gnomAD no frequency). This variant has not been reported in the literature in individuals affected with BAG3-related conditions. ClinVar contains an entry for this variant (Variation ID: 2930665). Invitae Evidence Modeling of protein sequence and biophysical properties (such as structural, functional, and spatial information, amino acid conservation, physicochemical variation, residue mobility, and thermodynamic stability) indicates that this missense variant is not expected to disrupt BAG3 protein function with a negative predictive value of 80%. In summary, the available evidence is currently insufficient to determine the role of this variant in disease. Therefore, it has been classified as a Variant of Uncertain Significance.

NM_004281.4(BAG3):c.979C>A (p.Pro327Thr)

Gene: BAG3 (BAG cochaperone 3; plus strand). Cytogenetic location: 10q26.11.
Variant type: single nucleotide variant.
Coding change: c.979C>A on transcript NM_004281.4 (MANE Select); coding-DNA position 979, C replaced by A.
Protein change: p.Pro327Thr; replaces proline 327 with threonine.
Molecular consequence: missense variant.
Genome position (GRCh38, 1-based): chr10:119,676,533, C>A. VCF-style: chr10-119676533-C-A. GRCh37 (hg19) VCF-style: chr10-121436045-C-A.
Other names: short protein forms P327T.
Identifiers: ClinVar variation 2930665 (VCV002930665.4), dbSNP rs1847236717, ClinGen allele CA378296392.